The following is an entry in ClinVar:

ClinVar aggregate classification (germline): Conflicting classifications of pathogenicity. Review status: criteria provided, conflicting classifications (1 of 4 stars). 2 submissions from 2 submitters: Likely pathogenic (1); Uncertain significance (1). Last evaluated 2025-12-03.

Conditions:
Combined immunodeficiency due to ZAP70 deficiency (IMD48). Also called: Immunodeficiency 48; ZAP70 Deficiency. Identifiers: Orphanet 911, MedGen C2931299, MONDO:0010023, OMIM 269840.
Severe combined immunodeficiency disease. Also called: Severe combined immunodeficiency; Severe Combined Immune Deficiency. Identifiers: Orphanet 183660, MedGen C0085110, MeSH D016511, MONDO:0015974, HP:0004430. Inheritance: X-Linked or Autosomal recessive.

Allele frequency attached by ClinVar (database versions not stated): gnomAD exomes 0.00001.
gnomAD v4.1: 2 of 1,559,244 alleles (0.00013%); highest among the groups gnomAD compares: Admixed American, 0.0018%; no homozygotes.

Submissions (2):

Women's Health and Genetics/Laboratory Corporation of America, LabCorp
Classification: Likely pathogenic for Severe combined immunodeficiency disease. Last evaluated: 2025-12-03. Review status: criteria provided, single submitter. Criteria: LabCorp Variant Classification Summary - May 2015. Collection method: clinical testing. Allele origin: germline.
Comment: Variant summary: ZAP70 c.37G>C (p.Gly13Arg) results in a non-conservative amino acid change in the encoded protein sequence. Algorithms developed to predict the effect of missense changes on protein structure and function are either unavailable or do not agree on the potential impact of this missense change. The variant allele was found at a frequency of 6e-06 in 166432 control chromosomes. c.37G>C has been observed in the compound heterozygous state in at least 1 individual(s) affected with Severe Combined Immunodeficiency (example, Llamas-Guillen_2017). At least one publication reports experimental evidence evaluating an impact on protein function. The most pronounced variant effect results significantly reduced ZAP70 protein expression in patient cells and in an in vitro assay (example, Llamas-Guillen_2017). A different missense variant at this codon (c.37G>A, p.Gly13Ser) has been determined to be likely pathogenic/pathogenic by our laboratory (PMID: 35338726), supporting the critical relevance of codon 13 for ZAP70 protein function. The following publications have been ascertained in the context of this evaluation (PMID: 36669607, 28912049, 30150660). ClinVar contains an entry for this variant (Variation ID: 1018967). Based on the evidence outlined above, the variant was classified as likely pathogenic.

Labcorp Genetics (formerly Invitae), Labcorp
Classification: Uncertain significance for Combined immunodeficiency due to ZAP70 deficiency. Last evaluated: 2020-11-16. Review status: criteria provided, single submitter. Criteria: Invitae Variant Classification Sherloc (09022015). Collection method: clinical testing. Allele origin: germline.
Comment: Algorithms developed to predict the effect of missense changes on protein structure and function are either unavailable or do not agree on the potential impact of this missense change (SIFT: "Not Available"; PolyPhen-2: "Probably Damaging"; Align-GVGD: "Not Available"). This variant has not been reported in the literature in individuals with ZAP70-related conditions. In summary, the available evidence is currently insufficient to determine the role of this variant in disease. Therefore, it has been classified as a Variant of Uncertain Significance. This sequence change replaces glycine with arginine at codon 13 of the ZAP70 protein (p.Gly13Arg). The glycine residue is highly conserved and there is a moderate physicochemical difference between glycine and arginine. The frequency data for this variant in the population databases is considered unreliable, as metrics indicate insufficient coverage at this position in the ExAC database.

Literature cited by the submitters: PubMed 36669607 (cited by Women's Health and Genetics/Laboratory Corporation of America, LabCorp); PubMed 30150660 (cited by Women's Health and Genetics/Laboratory Corporation of America, LabCorp); PubMed 28912049 (cited by Women's Health and Genetics/Laboratory Corporation of America, LabCorp).

NM_001079.4(ZAP70):c.37G>C (p.Gly13Arg)

Gene: ZAP70 (zeta chain of T cell receptor associated protein kinase 70; plus strand). Cytogenetic location: 2q11.2.
Variant type: single nucleotide variant.
Coding change: c.37G>C on transcript NM_001079.4 (MANE Select); coding-DNA position 37, G replaced by C.
Protein change: p.Gly13Arg; replaces glycine 13 with arginine.
Molecular consequence: missense variant.
Genome position (GRCh38, 1-based): chr2:97,724,073, G>C. VCF-style: chr2-97724073-G-C. GRCh37 (hg19) VCF-style: chr2-98340536-G-C.
Other names: c.37G>C, p.Gly13Arg (NM_001378594.1); short protein forms G13R.
Identifiers: ClinVar variation 1018967 (VCV001018967.8), dbSNP rs1340607126, ClinGen allele CA347787061.
Genomic context (GRCh38, chr2:97,724,073, plus strand): 5'-CAGGTTTCGGGAGGCCCAGGGGCGATGCCAGACCCCGCGGCGCACCTGCCCTTCTTCTAC[G>C]GCAGCATCTCGCGTGCCGAGGCCGAGGAGCACCTGAAGCTGGCGGGCATGGCGGACGGGC-3'
Protein context (NP_001070.2, residues 3-23): DPAAHLPFFY[Gly13Arg]SISRAEAEEH